The following is an entry in ClinVar:

NM_001042492.3(NF1):c.2238T>C (p.Asn746=)

Gene: NF1 (neurofibromin 1; plus strand). Cytogenetic location: 17q11.2.
Variant type: single nucleotide variant.
Coding change: c.2238T>C on transcript NM_001042492.3 (MANE Select); coding-DNA position 2238, T replaced by C.
Protein change: p.Asn746=; no amino-acid change (asparagine 746 retained).
Molecular consequence: synonymous variant.
Genome position (GRCh38, 1-based): chr17:31,226,671, T>C. VCF-style: chr17-31226671-T-C. GRCh37 (hg19) VCF-style: chr17-29553689-T-C.
Other names: c.2238T>C, p.Asn746= (NM_000267.4).
Identifiers: ClinVar variation 232895 (VCV000232895.16), dbSNP rs768161162, ClinGen allele CA8485922.

ClinVar aggregate classification (germline): Benign/Likely benign. Review status: criteria provided, multiple submitters, no conflicts (2 of 4 stars). 5 submissions from 5 submitters: Benign (1); Likely benign (4). Last evaluated 2026-05-18.

Conditions:
Hereditary cancer-predisposing syndrome. Also called: Hereditary neoplastic syndrome; Neoplastic Syndromes, Hereditary; Hereditary Cancer Syndrome; Tumor predisposition. Identifiers: Orphanet 140162, MedGen C0027672, MeSH D009386, MONDO:0015356.
Neurofibromatosis, type 1 (NF1). Also called: NEUROFIBROMATOSIS, TYPE I, SOMATIC; Neurofibromatosis, type I; VON RECKLINGHAUSEN DISEASE; Peripheral type neurofibromatosis. Identifiers: Orphanet 636, MedGen C0027831, MONDO:0018975, OMIM 162200. Disease mechanism: loss of function.

Allele frequency attached by ClinVar (database versions not stated): gnomAD exomes 0.00002 and 0.00008; gnomAD 0.00001; ExAC 0.00007; TOPMed 0.00002.
gnomAD v4.1: 24 of 1,613,726 alleles (0.0015%); highest among the groups gnomAD compares: Admixed American, 0.038%; no homozygotes.

Submissions (5):

Myriad Genetics, Inc.
Classification: Benign for Neurofibromatosis, type 1. Last evaluated: 2026-05-18. Review status: criteria provided, single submitter. Criteria: Myriad Autosomal Dominant, Autosomal Recessive and X-Linked Classification Criteria (2023). Collection method: clinical testing. Allele origin: unknown.
Comment: This variant is considered benign. This variant is a silent/synonymous amino acid change and it is not expected to impact splicing.

Labcorp Genetics (formerly Invitae), Labcorp
Classification: Likely benign for Neurofibromatosis, type 1. Last evaluated: 2025-12-21. Review status: criteria provided, single submitter. Criteria: Invitae Variant Classification Sherloc (09022015). Collection method: clinical testing. Allele origin: germline.

Genome-Nilou Lab
Classification: Likely benign for Neurofibromatosis, type 1. Last evaluated: 2022-03-15. Review status: criteria provided, single submitter. Criteria: ACMG Guidelines, 2015. Collection method: clinical testing. Allele origin: germline. Affected: no.

GeneDx
Classification: Likely benign. Last evaluated: 2020-12-08. Review status: criteria provided, single submitter. Criteria: GeneDx Variant Classification Process June 2021. Collection method: clinical testing. Allele origin: germline. Affected: yes.

Ambry Genetics
Classification: Likely benign for Hereditary cancer-predisposing syndrome. Last evaluated: 2015-07-15. Review status: criteria provided, single submitter. Criteria: Ambry Autosomal Dominant and X-Linked criteria (10/2015). Collection method: clinical testing. Allele origin: germline. Observed: 1 variant allele.